The following is an entry in ClinVar:

NM_001034853.2(RPGR):c.2190del (p.Glu732fs)

Gene: RPGR (retinitis pigmentosa GTPase regulator; minus strand). Cytogenetic location: Xp11.4.
Variant type: Deletion.
Coding change: c.2190del on transcript NM_001034853.2 (MANE Select); coding-DNA position 2190, one base deleted (A; older notation c.2190delA).
Protein change: p.Glu732fs; shifts the reading frame from glutamic acid 732.
Molecular consequence: frameshift variant. On other transcripts: intron variant (8).
Genome position (GRCh38, 1-based): chrX:38,286,809, T deleted on the plus strand (A on the coding strand, the reverse complement: RPGR is on the minus strand). VCF-style (leftmost placement, unchanged base first): chrX-38286808-CT-C. GRCh37 (hg19) VCF-style: chrX-38146061-CT-C.
Other names: c.1569+4150del (NM_001367249.1, NM_001367250.1); c.1902+285del (NM_001367245.1); c.1386+4150del (NM_001367251.1); c.1719+285del (NM_001367246.1); c.1572+4150del (NM_001367247.1); c.1905+285del (NM_000328.3); c.1602+4150del (NM_001367248.1); short protein forms E732fs.
Identifiers: ClinVar variation 3776077 (VCV003776077.2).

ClinVar aggregate classification (germline): Pathogenic. Review status: reviewed by expert panel (3 of 4 stars). 2 submissions from 2 submitters: Pathogenic (1). 1 of the submissions does not count toward it. Last evaluated 2026-10-30.

Conditions:
Retinitis pigmentosa 3. Also called: CHOROIDORETINAL DEGENERATION WITH RETINAL REFLEX IN HETEROZYGOUS WOMEN. Identifiers: Orphanet 791, MedGen C1845667, MONDO:0010227, OMIM 300029.
RPGR-related retinopathy. Also called: RPGR retinopathy. Identifiers: MedGen CN305589, MONDO:0100437.

Submissions (2):

ClinGen X-linked Inherited Retinal Disease Variant Curation Expert Panel, ClinGen
Classification: Pathogenic for RPGR-related retinopathy. Last evaluated: 2026-10-30. Review status: reviewed by expert panel. Criteria: ClinGen X LinkedIRD ACMG Specifications RPGR V1.0.0. Collection method: curation. Allele origin: germline. Inheritance: X-linked inheritance.
Comment: NM_001034853.2(RPGR):c.2190del (p.Glu732ArgfsTer?) is a frameshift variant caused by a one-nucleotide deletion, which introduces a premature stop codon and causes a truncated protein, disrupting a critical C-terminal region required for proper function of RPGR (PVS1, PMID: 36445968). This variant is absent from hemizygous individuals in gnomAD v4.1.2 (PM2_Supporting). The variant has been reported to segregate with retinal dystrophy through an affected mother and son from 1 family. (PP1; PMID: 34745198). At least one proband harboring this variant exhibits a phenotype including diagnosis with retinitis pigmentosa, X-linked family inheritance (2 pts), genotyping based on next-generation sequencing that did not identify an alternative basis for disease (2 pts), childhood-onset (1 pts), and mildly affected female family member (1 pts), which together are specific for RPGR-related retinopathy (6 points, PP4). In summary, this variant is classified as Pathogenic for RPGR-related retinopathy based on the ClinGen X-linked Inherited Retinal Disease Expert Panel Specifications to the ACMG/AMP Variant Interpretation Guidelines for RPGR Version 1.0.0: PVS1, PM2_Supporting, PP4, and PP1.

3billion
Classification: Likely pathogenic for Retinitis pigmentosa 3. Last evaluated: 2024-03-08. Review status: criteria provided, single submitter. Criteria: ACMG Guidelines, 2015. Collection method: clinical testing. Allele origin: germline. Affected: yes. Not counted in ClinVar's aggregate classification.
Comment: The variant is not observed in the gnomAD v2.1.1 dataset. Predicted Consequence/Location: Frameshift: predicted to result in a loss or disruption of normal protein function through protein truncation. The predicted truncated protein may be shortened by more than 10%. Therefore, this variant is classified as Likely pathogenic according to the recommendation of ACMG/AMP guideline.